The following is an entry in ClinVar:

NM_007198.4(PLPBP):c.250T>C (p.Ser84Pro)

Gene: PLPBP (pyridoxal phosphate binding protein; plus strand). Cytogenetic location: 8p11.23.
Variant type: single nucleotide variant.
Coding change: c.250T>C on transcript NM_007198.4 (MANE Select); coding-DNA position 250, T replaced by C.
Protein change: p.Ser84Pro; replaces serine 84 with proline.
Molecular consequence: missense variant.
Genome position (GRCh38, 1-based): chr8:37,766,286, T>C. VCF-style: chr8-37766286-T-C. GRCh37 (hg19) VCF-style: chr8-37623804-T-C.
Other names: c.250T>C, p.Ser84Pro (NM_001349346.2); c.244T>C, p.Ser82Pro (NM_001349347.2); c.94T>C, p.Ser32Pro (NM_001349348.2); c.355T>C, p.Ser119Pro (NM_001349349.1); short protein forms S84P, S32P, S82P, S119P.
Identifiers: ClinVar variation 2134257 (VCV002134257.4), dbSNP rs2487371787, ClinGen allele CA370666908.

ClinVar aggregate classification (germline): Uncertain significance (1 of 4 stars; one submission).

Submission:

Labcorp Genetics (formerly Invitae), Labcorp
Classification: Uncertain significance. Last evaluated: 2024-10-16. Review status: criteria provided, single submitter. Criteria: Invitae Variant Classification Sherloc (09022015). Collection method: clinical testing. Allele origin: germline.
Comment: This sequence change replaces serine, which is neutral and polar, with proline, which is neutral and non-polar, at codon 84 of the PROSC protein (p.Ser84Pro). This variant is not present in population databases (gnomAD no frequency). This variant has not been reported in the literature in individuals affected with PROSC-related conditions. ClinVar contains an entry for this variant (Variation ID: 2134257). Invitae Evidence Modeling of protein sequence and biophysical properties (such as structural, functional, and spatial information, amino acid conservation, physicochemical variation, residue mobility, and thermodynamic stability) indicates that this missense variant is not expected to disrupt PROSC protein function with a negative predictive value of 80%. In summary, the available evidence is currently insufficient to determine the role of this variant in disease. Therefore, it has been classified as a Variant of Uncertain Significance.